The following is an entry in ClinVar:

NM_007294.4(BRCA1):c.768G>A (p.Arg256=)

Gene: BRCA1 (BRCA1 DNA repair associated; minus strand). Cytogenetic location: 17q21.31.
Variant type: single nucleotide variant.
Coding change: c.768G>A on transcript NM_007294.4 (MANE Select); coding-DNA position 768, G replaced by A.
Protein change: p.Arg256=; no amino-acid change (arginine 256 retained).
Molecular consequence: synonymous variant. On other transcripts: 5 prime UTR variant (2), intron variant (13).
Genome position (GRCh38, 1-based): chr17:43,094,763, C>T on the plus strand (G>A on the coding strand, the complement: BRCA1 is on the minus strand). VCF-style: chr17-43094763-C-T. GRCh37 (hg19) VCF-style: chr17-41246780-C-T.
Other names: c.432G>A, p.Arg144= (NM_001407958.1, NM_001408508.1, NM_001408509.1 and 3 more transcripts); c.387G>A, p.Arg129= (NM_001407959.1, NM_001407960.1, NM_001407963.1 and 1 more transcripts); c.384G>A, p.Arg128= (NM_001407962.1); c.624G>A, p.Arg208= (NM_001407964.1, NM_001408462.1, NM_001408463.1 and 26 more transcripts); c.264G>A, p.Arg88= (NM_001407965.1, NM_001408512.1); c.-121G>A (NM_001407966.1, NM_001407967.1); c.768G>A, p.Arg256= (NM_001407968.1, NM_001407969.1, NM_001407970.1 and 54 more transcripts); c.765G>A, p.Arg255= (NM_001407972.1, NM_001407984.1, NM_001407985.1 and 38 more transcripts); and 20 more.
Identifiers: ClinVar variation 183872 (VCV000183872.26), dbSNP rs746067447, ClinGen allele CA003859.

ClinVar aggregate classification (germline): Likely benign. Review status: reviewed by expert panel (3 of 4 stars). 8 submissions from 8 submitters: Likely benign (1). 7 of the submissions do not count toward it. Last evaluated 2017-06-29.

Conditions:
Hereditary cancer-predisposing syndrome. Also called: Hereditary Cancer Syndrome; Hereditary neoplastic syndrome; Tumor predisposition; Neoplastic Syndromes, Hereditary. Identifiers: Orphanet 140162, MedGen C0027672, MeSH D009386, MONDO:0015356.
Hereditary breast ovarian cancer syndrome. Also called: Hereditary breast and ovarian cancer syndrome; Hereditary breast and ovarian cancer syndrome (HBOC); BRCA1- and BRCA2-Associated Hereditary Breast and Ovarian Cancer; Breast and ovarian cancer; Hereditary breast and ovarian cancer; Hereditary breast and/or ovarian cancer syndrome. Identifiers: Orphanet 145, MedGen C0677776, MeSH D061325, MONDO:0003582. Disease mechanism: loss of function.
Breast-ovarian cancer, familial, susceptibility to, 1 (BROVCA1). Also called: OVARIAN CANCER, SUSCEPTIBILITY TO; BRCA1 Hereditary Breast and Ovarian Cancer. Identifiers: Orphanet 145, MedGen C2676676, MONDO:0011450, OMIM 604370. Disease mechanism: loss of function.
BRCA1-related disorder. Also called: BRCA1-related condition.

Allele frequency attached by ClinVar (database versions not stated): gnomAD 0.00001; TOPMed 0.00001; ExAC 0.00002.
gnomAD v4.1: 19 of 1,610,992 alleles (0.0012%); highest among the groups gnomAD compares: Admixed American, 0.032%; no homozygotes.

Submissions (8):

Evidence-based Network for the Interpretation of Germline Mutant Alleles (ENIGMA)
Classification: Likely benign for Breast-ovarian cancer, familial, susceptibility to, 1. Last evaluated: 2017-06-29. Review status: reviewed by expert panel. Criteria: ENIGMA BRCA1/2 Classification Criteria (2017-06-29). Collection method: curation. Allele origin: germline.
Comment: Synonymous substitution variant, with low bioinformatic likelihood to result in a splicing aberration (Splicing prior probability 0.02).

Labcorp Genetics (formerly Invitae), Labcorp
Classification: Likely benign for Hereditary breast ovarian cancer syndrome. Last evaluated: 2025-11-25. Review status: criteria provided, single submitter. Criteria: Invitae Variant Classification Sherloc (09022015). Collection method: clinical testing. Allele origin: germline. Not counted in ClinVar's aggregate classification.

Quest Diagnostics Nichols Institute San Juan Capistrano
Classification: Benign. Last evaluated: 2023-03-16. Review status: criteria provided, single submitter. Criteria: Quest Diagnostics criteria. Collection method: clinical testing. Allele origin: unknown. Not counted in ClinVar's aggregate classification.

Women's Health and Genetics/Laboratory Corporation of America, LabCorp
Classification: Likely benign. Last evaluated: 2019-08-21. Review status: criteria provided, single submitter. Criteria: LabCorp Variant Classification Summary - May 2015. Collection method: clinical testing. Allele origin: germline. Not counted in ClinVar's aggregate classification.

GeneDx
Classification: Likely benign. Last evaluated: 2018-01-25. Review status: criteria provided, single submitter. Criteria: GeneDx Variant Classification (06012015). Collection method: clinical testing. Allele origin: germline. Affected: yes. Not counted in ClinVar's aggregate classification.
Comment: This variant is considered likely benign or benign based on one or more of the following criteria: it is a conservative change, it occurs at a poorly conserved position in the protein, it is predicted to be benign by multiple in silico algorithms, and/or has population frequency not consistent with disease.

Color Diagnostics, LLC DBA Color Health
Classification: Likely benign for Hereditary cancer-predisposing syndrome. Last evaluated: 2017-04-11. Review status: criteria provided, single submitter. Criteria: ACMG Guidelines, 2015. Collection method: clinical testing. Allele origin: germline. Not counted in ClinVar's aggregate classification.

Ambry Genetics
Classification: Likely benign for Hereditary cancer-predisposing syndrome. Last evaluated: 2014-08-05. Review status: criteria provided, single submitter. Criteria: Ambry Variant Classification Scheme 2023. Collection method: clinical testing. Allele origin: germline. Not counted in ClinVar's aggregate classification.

PreventionGenetics, part of Exact Sciences
Classification: Likely benign for BRCA1-related condition. Last evaluated: 2020-04-06. Review status: no assertion criteria provided. Collection method: clinical testing. Allele origin: germline. Not counted in ClinVar's aggregate classification.
Comment: This variant is classified as likely benign based on ACMG/AMP sequence variant interpretation guidelines (Richards et al. 2015 PMID: 25741868, with internal and published modifications).

Literature cited by the submitters: PubMed 18284688 (cited by Quest Diagnostics Nichols Institute San Juan Capistrano).